The following is an entry in ClinVar:

NM_005866.4(SIGMAR1):c.250G>C (p.Val84Leu)

Gene: SIGMAR1 (sigma receptor chaperone 1; minus strand). Cytogenetic location: 9p13.3.
Variant type: single nucleotide variant.
Coding change: c.250G>C on transcript NM_005866.4 (MANE Select); coding-DNA position 250, G replaced by C.
Protein change: p.Val84Leu; replaces valine 84 with leucine.
Molecular consequence: missense variant. On other transcripts: 5 prime UTR variant (1).
Genome position (GRCh38, 1-based): chr9:34,637,322, C>G on the plus strand (G>C on the coding strand, the complement: SIGMAR1 is on the minus strand). VCF-style: chr9-34637322-C-G. GRCh37 (hg19) VCF-style: chr9-34637319-C-G.
Other names: c.250G>C, p.Val84Leu (NM_001282205.2, NM_001282208.2, NM_001282209.2 and 1 more transcripts); c.-4G>C (NM_001282206.2); c.190G>C, p.Val64Leu (NM_001282207.2); short protein forms V64L, V84L.
Identifiers: ClinVar variation 937637 (VCV000937637.10), dbSNP rs1820911034, ClinGen allele CA373274946.

ClinVar aggregate classification (germline): Uncertain significance (1 of 4 stars; one submission).

Conditions:
Autosomal recessive distal spinal muscular atrophy 2. Also called: NEURONOPATHY, DISTAL HEREDITARY MOTOR, JERASH TYPE; NEUROPATHY, DISTAL HEREDITARY MOTOR, JERASH TYPE; SPINAL MUSCULAR ATROPHY, JERASH TYPE; NEUROPATHY, DISTAL HEREDITARY MOTOR, AUTOSOMAL RECESSIVE 2; Hereditary motor neuropathy, Jerash type; Motor neuropathy, distal, Jerash type. Identifiers: Orphanet 139552, MedGen C1854023, MONDO:0011585, OMIM 605726.
Amyotrophic lateral sclerosis type 16. Also called: AMYOTROPHIC LATERAL SCLEROSIS 16, JUVENILE. Identifiers: Orphanet 300605, MedGen C3280587, MONDO:0013715, OMIM 614373.

Submission:

Labcorp Genetics (formerly Invitae), Labcorp
Classification: Uncertain significance for Autosomal recessive distal spinal muscular atrophy 2; Amyotrophic lateral sclerosis type 16. Last evaluated: 2019-06-14. Review status: criteria provided, single submitter. Criteria: Invitae Variant Classification Sherloc (09022015). Collection method: clinical testing. Allele origin: germline.
Comment: This variant is not present in population databases (ExAC no frequency). This sequence change replaces valine with leucine at codon 84 of the SIGMAR1 protein (p.Val84Leu). The valine residue is highly conserved and there is a small physicochemical difference between valine and leucine. This variant has not been reported in the literature in individuals with SIGMAR1-related conditions. In summary, the available evidence is currently insufficient to determine the role of this variant in disease. Therefore, it has been classified as a Variant of Uncertain Significance. Algorithms developed to predict the effect of missense changes on protein structure and function are either unavailable or do not agree on the potential impact of this missense change (SIFT: "Tolerated"; PolyPhen-2: "Possibly Damaging"; Align-GVGD: "Class C0").